The following is an entry in ClinVar:

ClinVar aggregate classification (germline): Pathogenic (1 of 4 stars; one submission).

Submission:

Labcorp Genetics (formerly Invitae), Labcorp
Classification: Pathogenic. Last evaluated: 2026-01-04. Review status: criteria provided, single submitter. Criteria: Invitae Variant Classification Sherloc (09022015). Collection method: clinical testing. Allele origin: germline.
Comment: This sequence change creates a premature translational stop signal (p.Ser2299Alafs*16) in the DNAH9 gene. It is expected to result in an absent or disrupted protein product. Loss-of-function variants in DNAH9 are known to be pathogenic (PMID: 30471718). This variant is present in population databases (rs773513418, gnomAD 0.006%). This variant has not been reported in the literature in individuals affected with DNAH9-related conditions. For these reasons, this variant has been classified as Pathogenic.

Literature cited by the submitters: PubMed 30471718.

NM_001372.4(DNAH9):c.6894del (p.Ser2299fs)

Gene: DNAH9 (dynein axonemal heavy chain 9; plus strand). Cytogenetic location: 17p12.
Variant type: Deletion.
Coding change: c.6894del on transcript NM_001372.4 (MANE Select); coding-DNA position 6894, one base deleted (G; older notation c.6894delG).
Protein change: p.Ser2299fs; shifts the reading frame from serine 2299.
Molecular consequence: frameshift variant.
Genome position (GRCh38, 1-based): chr17:11,757,591, G deleted. VCF-style (leftmost placement, unchanged base first): chr17-11757590-TG-T. GRCh37 (hg19) VCF-style: chr17-11660907-TG-T.
Other names: short protein forms S2299fs.
Identifiers: ClinVar variation 4729838 (VCV004729838.1).